The following is an entry in ClinVar:

ClinVar aggregate classification (germline): Uncertain significance (1 of 4 stars; one submission).

Conditions:
PLXNA4-related disorder. Also called: PLXNA4-related condition.

Submission:

PreventionGenetics, part of Exact Sciences
Classification: Uncertain significance for PLXNA4-related condition. Last evaluated: 2025-05-06. Review status: criteria provided, single submitter. Criteria: ACMG Guidelines, 2015. Collection method: clinical testing. Allele origin: germline.
Comment: The PLXNA4 c.2531A>G variant is predicted to result in the amino acid substitution p.Gln844Arg. To our knowledge, this variant has not been reported in the literature or in a large population database (gnomAD), indicating this variant is rare. At this time, the clinical significance of this variant is uncertain due to the absence of conclusive functional and genetic evidence.

NM_020911.2(PLXNA4):c.2531A>G (p.Gln844Arg)

Gene: PLXNA4 (plexin A4; minus strand). Cytogenetic location: 7q32.3.
Variant type: single nucleotide variant.
Coding change: c.2531A>G on transcript NM_020911.2 (MANE Select); coding-DNA position 2531, A replaced by G.
Protein change: p.Gln844Arg; replaces glutamine 844 with arginine.
Molecular consequence: missense variant.
Genome position (GRCh38, 1-based): chr7:132,202,701, T>C on the plus strand (A>G on the coding strand, the complement: PLXNA4 is on the minus strand). VCF-style: chr7-132202701-T-C. GRCh37 (hg19) VCF-style: chr7-131887460-T-C.
Other names: c.2531A>G, p.Gln844Arg (NM_001393897.1); short protein forms Q844R.
Identifiers: ClinVar variation 4978291 (VCV004978291.1).
Genomic context (GRCh38, chr7:132,202,701, plus strand): 5'-CTTACCTCTGTGATGCGGGGGTTTGTGCACTTGCTTTTGGCACCAGACAGCTCCAGCCAC[T>C]GGCTCTCCTGGGCAGGGCAGTGCTGGCGCAGGGTGCACTGGCCTGGGCCCTGGCACCAGC-3'
Protein context (NP_065962.1, residues 834-854): LRQHCPAQES[Gln844Arg]WLELSGAKSK